The following is an entry in ClinVar:

NM_006642.5(SDCCAG8):c.1309G>C (p.Glu437Gln)

Gene: SDCCAG8 (SHH signaling and ciliogenesis regulator SDCCAG8; plus strand). Cytogenetic location: 1q43.
Variant type: single nucleotide variant.
Coding change: c.1309G>C on transcript NM_006642.5 (MANE Select); coding-DNA position 1309, G replaced by C.
Protein change: p.Glu437Gln; replaces glutamic acid 437 with glutamine.
Molecular consequence: missense variant.
Genome position (GRCh38, 1-based): chr1:243,341,126, G>C. VCF-style: chr1-243341126-G-C. GRCh37 (hg19) VCF-style: chr1-243504428-G-C.
Other names: c.406G>C, p.Glu136Gln (NM_001350246.2, NM_001350247.2, NM_001350251.2); c.1405G>C, p.Glu469Gln (NM_001350248.2); c.1015G>C, p.Glu339Gln (NM_001350249.2); short protein forms E136Q, E469Q, E437Q, E339Q.
Identifiers: ClinVar variation 2004688 (VCV002004688.4), dbSNP rs1558321444, ClinGen allele CA345474663.

ClinVar aggregate classification (germline): Uncertain significance (1 of 4 stars; one submission).

Conditions:
Senior-Loken syndrome 7 (SLSN7). Identifiers: Orphanet 3156, MedGen C3150877, MONDO:0013326, OMIM 613615.
Bardet-Biedl syndrome 16 (BBS16). Identifiers: Orphanet 110, MedGen C3889474, MONDO:0014444, OMIM 615993.

Submission:

Labcorp Genetics (formerly Invitae), Labcorp
Classification: Uncertain significance for Bardet-Biedl syndrome 16; Senior-Loken syndrome 7. Last evaluated: 2025-06-12. Review status: criteria provided, single submitter. Criteria: Invitae Variant Classification Sherloc (09022015). Collection method: clinical testing. Allele origin: germline.
Comment: This sequence change replaces glutamic acid, which is acidic and polar, with glutamine, which is neutral and polar, at codon 437 of the SDCCAG8 protein (p.Glu437Gln). This variant is not present in population databases (gnomAD no frequency). This variant has not been reported in the literature in individuals affected with SDCCAG8-related conditions. ClinVar contains an entry for this variant (Variation ID: 2004688). Invitae Evidence Modeling of protein sequence and biophysical properties (such as structural, functional, and spatial information, amino acid conservation, physicochemical variation, residue mobility, and thermodynamic stability) indicates that this missense variant is not expected to disrupt SDCCAG8 protein function with a negative predictive value of 80%. In summary, the available evidence is currently insufficient to determine the role of this variant in disease. Therefore, it has been classified as a Variant of Uncertain Significance.